The following is an entry in ClinVar:

NM_001243133.2(NLRP3):c.630T>A (p.Asp210Glu)

Gene: NLRP3 (NLR family pyrin domain containing 3; plus strand). Cytogenetic location: 1q44.
Variant type: single nucleotide variant.
Coding change: c.630T>A on transcript NM_001243133.2 (MANE Select); coding-DNA position 630, T replaced by A.
Protein change: p.Asp210Glu; replaces aspartic acid 210 with glutamic acid.
Molecular consequence: missense variant.
Genome position (GRCh38, 1-based): chr1:247,424,079, T>A. VCF-style: chr1-247424079-T-A. GRCh37 (hg19) VCF-style: chr1-247587381-T-A.
Other names: c.630T>A, p.Asp210Glu (NM_001079821.3, NM_001127461.3, NM_001127462.3 and 1 more transcripts); c.636T>A, p.Asp212Glu (NM_004895.5); short protein forms D210E, D212E.
Identifiers: ClinVar variation 4800139 (VCV004800139.1).

ClinVar aggregate classification (germline): Uncertain significance (1 of 4 stars; one submission).

Conditions:
Cryopyrin associated periodic syndrome (CAPS). Identifiers: Orphanet 208650, MedGen C2316212, MONDO:0016168.

Submission:

Labcorp Genetics (formerly Invitae), Labcorp
Classification: Uncertain significance for Cryopyrin associated periodic syndrome. Last evaluated: 2025-09-29. Review status: criteria provided, single submitter. Criteria: Invitae Variant Classification Sherloc (09022015). Collection method: clinical testing. Allele origin: germline.
Comment: This sequence change replaces aspartic acid, which is acidic and polar, with glutamic acid, which is acidic and polar, at codon 212 of the NLRP3 protein (p.Asp212Glu). This variant is not present in population databases (gnomAD no frequency). This variant has not been reported in the literature in individuals affected with NLRP3-related conditions. Invitae Evidence Modeling of protein sequence and biophysical properties (such as structural, functional, and spatial information, amino acid conservation, physicochemical variation, residue mobility, and thermodynamic stability) indicates that this missense variant is not expected to disrupt NLRP3 protein function with a negative predictive value of 95%. In summary, the available evidence is currently insufficient to determine the role of this variant in disease. Therefore, it has been classified as a Variant of Uncertain Significance.